The following is an entry in ClinVar:

ClinVar aggregate classification (germline): Benign (3 of 4 stars; one submission).

Conditions:
Breast-ovarian cancer, familial, susceptibility to, 1 (BROVCA1). Also called: BRCA1 Hereditary Breast and Ovarian Cancer; OVARIAN CANCER, SUSCEPTIBILITY TO. Identifiers: Orphanet 145, MedGen C2676676, MONDO:0011450, OMIM 604370. Disease mechanism: loss of function.

Submission:

Evidence-based Network for the Interpretation of Germline Mutant Alleles (ENIGMA)
Classification: Benign for Breast-ovarian cancer, familial, susceptibility to, 1. Last evaluated: 2016-09-28. Review status: reviewed by expert panel. Criteria: ENIGMA BRCA1/2 Classification Criteria (2015). Collection method: curation. Allele origin: germline.
Comment: Class 1 not pathogenic based on frequency >1% in an outbred sampleset. Frequency 0.174 (European), 0.1142 (African), 0.1311 (Admixed American/Latino), 0.1419 (East Asian), 0.2536 (South Asian), derived from 1000 genomes (2013-05-02).

NM_007294.4(BRCA1):c.442-740_442-738del

Gene: BRCA1 (BRCA1 DNA repair associated; minus strand). Cytogenetic location: 17q21.31.
Variant type: Deletion.
Coding change: c.442-740_442-738del on transcript NM_007294.4 (MANE Select); 740 bases into the intron before coding-DNA position 442 through 738 bases into the intron before coding-DNA position 442, 3 bases deleted (GTT; older notation c.442-740_442-738delGTT).
Molecular consequence: intron variant.
Genome position (GRCh38, 1-based): chr17:43,100,618-43,100,620, AAC deleted on the plus strand (GTT on the coding strand, the reverse complement: BRCA1 is on the minus strand); deleting any 3 consecutive bases within chr17:43,100,618-43,100,621 gives the same sequence; the c. name uses the placement nearest the transcript's 3' end. VCF-style (leftmost placement, unchanged base first): chr17-43100617-TAAC-T. GRCh37 (hg19) VCF-style: chr17-41252634-TAAC-T.
Other names: c.442-743_442-741del (NM_001408435.1, NM_001407691.1, NM_001407685.1 and 65 more transcripts); c.442-740_442-738del (NM_001408494.1, NM_001408444.1, NM_001408438.1 and 96 more transcripts); c.232-740_232-738del (NM_001408492.1, NM_001407889.1, NM_001408513.1 and 37 more transcripts); c.301-743_301-741del (NM_001408468.1, NM_001407842.1, NM_001407749.1 and 35 more transcripts); c.301-740_301-738del (NM_001408501.1, NM_001408455.1, NM_001407731.1 and 61 more transcripts); c.-218-5760_-218-5758del (NM_001407966.1, NM_001407967.1); c.61-740_61-738del (NM_001407963.1, NM_001407960.1, NM_001407965.1 and 3 more transcripts); c.232-743_232-741del (NM_001407899.1, NM_001407958.1, NM_001407955.1 and 18 more transcripts); and 5 more.
Identifiers: ClinVar variation 264783 (VCV000264783.2), dbSNP rs538378944, ClinGen allele CA10588232.